The following is an entry in ClinVar:

NM_001353345.2(SETD1B):c.3068C>T (p.Pro1023Leu)

Gene: SETD1B (SET domain containing 1B, histone lysine methyltransferase; plus strand). Cytogenetic location: 12q24.31.
Variant type: single nucleotide variant.
Coding change: c.3068C>T on transcript NM_001353345.2 (MANE Select); coding-DNA position 3068, C replaced by T.
Protein change: p.Pro1023Leu; replaces proline 1023 with leucine.
Molecular consequence: missense variant.
Genome position (GRCh38, 1-based): chr12:121,817,460, C>T. VCF-style: chr12-121817460-C-T. GRCh37 (hg19) VCF-style: chr12-122255366-C-T.
Other names: short protein forms P1023L.
Identifiers: ClinVar variation 3346254 (VCV003346254.1).

ClinVar aggregate classification (germline): Uncertain significance (0 of 4 stars; one submission).

Conditions:
SETD1B-related disorder. Also called: SETD1B-related condition.

Submission:

PreventionGenetics, part of Exact Sciences
Classification: Uncertain significance for SETD1B-related condition. Last evaluated: 2024-07-12. Review status: no assertion criteria provided. Collection method: clinical testing. Allele origin: germline.
Comment: The SETD1B c.3068C>T variant is predicted to result in the amino acid substitution p.Pro1023Leu. To our knowledge, this variant has not been reported in the literature. This variant is reported in 0.0088% of alleles in individuals of South Asian descent in gnomAD. At this time, the clinical significance of this variant is uncertain due to the absence of conclusive functional and genetic evidence.